The following is an entry in ClinVar:

NM_018714.3(COG1):c.561-6T>G

Gene: COG1 (component of oligomeric golgi complex 1; plus strand). Cytogenetic location: 17q25.1.
Variant type: single nucleotide variant.
Coding change: c.561-6T>G on transcript NM_018714.3 (MANE Select); 6 bases into the intron before coding-DNA position 561, T replaced by G.
Molecular consequence: intron variant.
Genome position (GRCh38, 1-based): chr17:73,196,894, T>G. VCF-style: chr17-73196894-T-G. GRCh37 (hg19) VCF-style: chr17-71193033-T-G.
Identifiers: ClinVar variation 2096978 (VCV002096978.4), dbSNP rs1197833925, ClinGen allele CA627590130.

ClinVar aggregate classification (germline): Uncertain significance (1 of 4 stars; one submission).

Conditions:
COG1 congenital disorder of glycosylation (CDG2G). Also called: CONGENITAL DISORDER OF GLYCOSYLATION, TYPE IIg; CDG IIg; CDGII/COG1 CEREBROCOSTOMANDIBULAR-LIKE SYNDROME. Identifiers: Orphanet 263508, MedGen C2931011, MONDO:0012637, OMIM 611209.

Submission:

Labcorp Genetics (formerly Invitae), Labcorp
Classification: Uncertain significance for COG1 congenital disorder of glycosylation. Last evaluated: 2022-10-08. Review status: criteria provided, single submitter. Criteria: Invitae Variant Classification Sherloc (09022015). Collection method: clinical testing. Allele origin: germline.
Comment: This sequence change falls in intron 2 of the COG1 gene. It does not directly change the encoded amino acid sequence of the COG1 protein. In summary, the available evidence is currently insufficient to determine the role of this variant in disease. Therefore, it has been classified as a Variant of Uncertain Significance. Algorithms developed to predict the effect of sequence changes on RNA splicing suggest that this variant may disrupt the consensus splice site. This variant has not been reported in the literature in individuals affected with COG1-related conditions. This variant is present in population databases (no rsID available, gnomAD 0.0009%).